The following is an entry in ClinVar:

NM_001040108.2(MLH3):c.1441G>C (p.Ala481Pro)

Gene: MLH3 (mutL homolog 3; minus strand). Cytogenetic location: 14q24.3.
Variant type: single nucleotide variant.
Coding change: c.1441G>C on transcript NM_001040108.2 (MANE Select); coding-DNA position 1441, G replaced by C.
Protein change: p.Ala481Pro; replaces alanine 481 with proline.
Molecular consequence: missense variant.
Genome position (GRCh38, 1-based): chr14:75,048,215, C>G on the plus strand (G>C on the coding strand, the complement: MLH3 is on the minus strand). VCF-style: chr14-75048215-C-G. GRCh37 (hg19) VCF-style: chr14-75514918-C-G.
Other names: c.1441G>C, p.Ala481Pro (NM_014381.3); short protein forms A481P.
Identifiers: ClinVar variation 1772713 (VCV001772713.3), dbSNP rs1405992238, ClinGen allele CA390445646.

ClinVar aggregate classification (germline): Uncertain significance (1 of 4 stars; one submission).

Submission:

Ambry Genetics
Classification: Uncertain significance. Last evaluated: 2025-02-02. Review status: criteria provided, single submitter. Criteria: Ambry Variant Classification Scheme 2023. Collection method: clinical testing. Allele origin: germline.
Comment: The p.A481P variant (also known as c.1441G>C), located in coding exon 1 of the MLH3 gene, results from a G to C substitution at nucleotide position 1441. The alanine at codon 481 is replaced by proline, an amino acid with highly similar properties. This amino acid position is conserved. In addition, this alteration is predicted to be tolerated by in silico analysis. Since supporting evidence is limited at this time, the clinical significance of this alteration remains unclear.